The following is an entry in ClinVar:

ClinVar aggregate classification (germline): Likely pathogenic (1 of 4 stars; one submission).

Conditions:
Sulfite oxidase deficiency due to molybdenum cofactor deficiency type C. Also called: Molybdenum cofactor deficiency, complementation group C; Molybdenum cofactor deficiency C. Identifiers: Orphanet 308400, Orphanet 833, MedGen C1854990, MONDO:0014212, OMIM 615501.

Submission:

Labcorp Genetics (formerly Invitae), Labcorp
Classification: Likely pathogenic for Sulfite oxidase deficiency due to molybdenum cofactor deficiency type C. Last evaluated: 2022-10-17. Review status: criteria provided, single submitter. Criteria: Invitae Variant Classification Sherloc (09022015). Collection method: clinical testing. Allele origin: germline.
Comment: In summary, the currently available evidence indicates that the variant is pathogenic, but additional data are needed to prove that conclusively. Therefore, this variant has been classified as Likely Pathogenic. Algorithms developed to predict the effect of sequence changes on RNA splicing suggest that this variant may disrupt the consensus splice site. ClinVar contains an entry for this variant (Variation ID: 1519142). This variant has not been reported in the literature in individuals affected with GPHN-related conditions. This variant is not present in population databases (gnomAD no frequency). This sequence change affects a donor splice site in intron 14 of the GPHN gene. It is expected to disrupt RNA splicing. Variants that disrupt the donor or acceptor splice site typically lead to a loss of protein function (PMID: 16199547), and loss-of-function variants in GPHN are known to be pathogenic (PMID: 11095995, 23184456, 23393157).

Literature cited by the submitters: PubMed 16199547; PubMed 11095995; PubMed 23184456; PubMed 23393157.

NM_020806.5(GPHN):c.1413+2T>G

Gene: GPHN (gephyrin; plus strand). Cytogenetic location: 14q23.3.
Variant type: single nucleotide variant.
Coding change: c.1413+2T>G on transcript NM_020806.5 (MANE Select); the canonical splice donor site of the intron after coding-DNA position 1413, T replaced by G.
Molecular consequence: splice donor variant.
Genome position (GRCh38, 1-based): chr14:67,110,261, T>G. VCF-style: chr14-67110261-T-G. GRCh37 (hg19) VCF-style: chr14-67576978-T-G.
Other names: c.1473+2T>G (NM_001377514.1); c.1353+2T>G (NM_001377519.1); c.1443+2T>G (NM_001377515.1); c.1434+2T>G (NM_001377516.1); c.1371+2T>G (NM_001377518.1); c.1386+2T>G (NM_001377517.1); c.1314+2T>G (NM_001024218.2).
Identifiers: ClinVar variation 1519142 (VCV001519142.8), dbSNP rs2153685300, ClinGen allele CA390258086.
Genomic context (GRCh38, chr14:67,110,261, plus strand): 5'-GCGGTGCTGATGCAGTAGTACAAGTGGAAGATACCGAACTTATCAGGGAATCAGATGATG[T>G]ACGTCATCACCAAGTCTTACTGTGCTGTTGTTCCTATGGCAGTATTATGTCACAACCATT-3'